The following is an entry in ClinVar:

NM_001111.5(ADAR):c.2886-1del

Gene: ADAR (adenosine deaminase RNA specific; minus strand). Cytogenetic location: 1q21.3.
Variant type: Deletion.
Coding change: c.2886-1del on transcript NM_001111.5 (MANE Select); the canonical splice acceptor site of the intron before coding-DNA position 2886, one base deleted (G; older notation c.2886-1delG).
Molecular consequence: splice acceptor variant.
Genome position (GRCh38, 1-based): chr1:154,588,259, C deleted on the plus strand (G on the coding strand, the reverse complement: ADAR is on the minus strand). VCF-style (leftmost placement, unchanged base first): chr1-154588258-GC-G. GRCh37 (hg19) VCF-style: chr1-154560734-GC-G.
Other names: c.2001-1del (NM_001365046.1, NM_001025107.3, NM_001365048.1 and 2 more transcripts); c.2913-1del (NM_001365045.1); c.1923-1del (NM_001365049.1); c.2751-1del (NM_015841.4); c.2808-1del (NM_015840.4).
Identifiers: ClinVar variation 958597 (VCV000958597.8), dbSNP rs1696896431, ClinGen allele CA1139656344.

ClinVar aggregate classification (germline): Likely pathogenic (1 of 4 stars; one submission).

Conditions:
Symmetrical dyschromatosis of extremities (DSH). Also called: Dyschromatosis symmetrica hereditaria; DYSCHROMATOSIS SYMMETRICA HEREDITARIA 1; RETICULATE ACROPIGMENTATION OF DOHI; SYMMETRIC DYSCHROMATOSIS OF THE EXTREMITIES. Identifiers: Orphanet 41, MedGen C0406775, MONDO:0007483, OMIM 127400.
Aicardi-Goutieres syndrome 6 (AGS6). Identifiers: Orphanet 51, MedGen C3539013, MONDO:0014007, OMIM 615010.

Submission:

Labcorp Genetics (formerly Invitae), Labcorp
Classification: Likely pathogenic for Aicardi-Goutieres syndrome 6; Symmetrical dyschromatosis of extremities. Last evaluated: 2019-08-23. Review status: criteria provided, single submitter. Criteria: Invitae Variant Classification Sherloc (09022015). Collection method: clinical testing. Allele origin: germline.
Comment: In summary, the currently available evidence indicates that the variant is pathogenic, but additional data are needed to prove that conclusively. Therefore, this variant has been classified as Likely Pathogenic. Donor and acceptor splice site variants typically lead to a loss of protein function (PMID: 16199547), and loss-of-function variants in ADAR are known to be pathogenic (PMID: 22974014). Algorithms developed to predict the effect of sequence changes on RNA splicing suggest that this variant may disrupt the consensus splice site, but this prediction has not been confirmed by published transcriptional studies. This variant has not been reported in the literature in individuals with ADAR-related conditions. This variant is not present in population databases (ExAC no frequency). This sequence change affects an acceptor splice site in intron 10 of the ADAR gene. It is expected to disrupt RNA splicing and likely results in an absent or disrupted protein product.

Literature cited by the submitters: PubMed 16199547; PubMed 22974014.